The following is an entry in ClinVar:

NM_015425.6(POLR1A):c.3365G>A (p.Arg1122Lys)

Gene: POLR1A (RNA polymerase I subunit A; minus strand). Cytogenetic location: 2p11.2.
Variant type: single nucleotide variant.
Coding change: c.3365G>A on transcript NM_015425.6 (MANE Select); coding-DNA position 3365, G replaced by A.
Protein change: p.Arg1122Lys; replaces arginine 1122 with lysine.
Molecular consequence: missense variant.
Genome position (GRCh38, 1-based): chr2:86,042,096, C>T on the plus strand (G>A on the coding strand, the complement: POLR1A is on the minus strand). VCF-style: chr2-86042096-C-T. GRCh37 (hg19) VCF-style: chr2-86269219-C-T.
Other names: short protein forms R1122K.
Identifiers: ClinVar variation 2417590 (VCV002417590.6), dbSNP rs775535994, ClinGen allele CA1745785.
Genomic context (GRCh38, chr2:86,042,096, plus strand): 5'-CAAGCGGCCGCCTTCTTCTGGTATTTCCTTCGGCTTTCCTCATCCAACTCATACCACATC[C>T]TCAGCATCTGAACAGAAGGATGGGTCTCAGCTATGTGGGAGGGATACCCAGTAGCATAAG-3'
Protein context (NP_056240.2, residues 1112-1132): GRSPGTQEML[Arg1122Lys]MWYELDEESR

ClinVar aggregate classification (germline): Uncertain significance (1 of 4 stars; one submission).

Allele frequency attached by ClinVar (database versions not stated): ExAC 0.00001; gnomAD exomes 0.00001.
gnomAD v4.1: 9 of 1,611,704 alleles (0.00056%); highest among the groups gnomAD compares: Non-Finnish European, 0.000085%; no homozygotes.

Submission:

Labcorp Genetics (formerly Invitae), Labcorp
Classification: Uncertain significance. Last evaluated: 2024-08-29. Review status: criteria provided, single submitter. Criteria: Invitae Variant Classification Sherloc (09022015). Collection method: clinical testing. Allele origin: germline.
Comment: This sequence change replaces arginine, which is basic and polar, with lysine, which is basic and polar, at codon 1122 of the POLR1A protein (p.Arg1122Lys). This variant is present in population databases (rs775535994, gnomAD 0.03%). This variant has not been reported in the literature in individuals affected with POLR1A-related conditions. ClinVar contains an entry for this variant (Variation ID: 2417590). Invitae Evidence Modeling of protein sequence and biophysical properties (such as structural, functional, and spatial information, amino acid conservation, physicochemical variation, residue mobility, and thermodynamic stability) indicates that this missense variant is not expected to disrupt POLR1A protein function with a negative predictive value of 80%. In summary, the available evidence is currently insufficient to determine the role of this variant in disease. Therefore, it has been classified as a Variant of Uncertain Significance.